The following is an entry in ClinVar:

NM_173728.4(ARHGEF15):c.1739G>T (p.Arg580Leu)

Gene: ARHGEF15 (Rho guanine nucleotide exchange factor 15; plus strand). Cytogenetic location: 17p13.1.
Variant type: single nucleotide variant.
Coding change: c.1739G>T on transcript NM_173728.4 (MANE Select); coding-DNA position 1739, G replaced by T.
Protein change: p.Arg580Leu; replaces arginine 580 with leucine.
Molecular consequence: missense variant.
Genome position (GRCh38, 1-based): chr17:8,318,421, G>T. VCF-style: chr17-8318421-G-T. GRCh37 (hg19) VCF-style: chr17-8221739-G-T.
Other names: c.1739G>T, p.Arg580Leu (NM_025014.2); short protein forms R580L.
Identifiers: ClinVar variation 3662671 (VCV003662671.2).
Genomic context (GRCh38, chr17:8,318,421, plus strand): 5'-CAGTCACCCTTCCTCCTTGTCCCCAGAATATCCTGCGCCAGACAGAAGAGGGGTCCAGCC[G>T]TCAGGAGAATGCCCAGAAGGCCCTGGGTGCTGTCAGCAAGGTGGGCAGTGGGGAAGCTGA-3'
Protein context (NP_776089.2, residues 570-590): ILRQTEEGSS[Arg580Leu]QENAQKALGA

ClinVar aggregate classification (germline): Uncertain significance (1 of 4 stars; one submission).

Conditions:
Early-infantile DEE. Also called: Ohtahara syndrome; Early infantile epileptic encephalopathy; Early infantile epileptic encephalopathy with suppression bursts. Identifiers: Orphanet 1934, MedGen C0393706, MONDO:0800491.

Submission:

Labcorp Genetics (formerly Invitae), Labcorp
Classification: Uncertain significance for Early-infantile DEE. Last evaluated: 2024-12-04. Review status: criteria provided, single submitter. Criteria: Invitae Variant Classification Sherloc (09022015). Collection method: clinical testing. Allele origin: germline.
Comment: This sequence change replaces arginine, which is basic and polar, with leucine, which is neutral and non-polar, at codon 580 of the ARHGEF15 protein (p.Arg580Leu). This variant is not present in population databases (gnomAD no frequency). This variant has not been reported in the literature in individuals affected with ARHGEF15-related conditions. An algorithm developed to predict the effect of missense changes on protein structure and function (PolyPhen-2) suggests that this variant is likely to be tolerated. In summary, the available evidence is currently insufficient to determine the role of this variant in disease. Therefore, it has been classified as a Variant of Uncertain Significance.